The following is an entry in ClinVar:

NM_024312.5(GNPTAB):c.2997T>G (p.Tyr999Ter)

Gene: GNPTAB (N-acetylglucosamine-1-phosphate transferase subunits alpha and beta; minus strand). Cytogenetic location: 12q23.2.
Variant type: single nucleotide variant.
Coding change: c.2997T>G on transcript NM_024312.5 (MANE Select); coding-DNA position 2997, T replaced by G.
Protein change: p.Tyr999Ter; replaces tyrosine 999 with a stop codon.
Molecular consequence: nonsense.
Genome position (GRCh38, 1-based): chr12:101,761,265, A>C on the plus strand (T>G on the coding strand, the complement: GNPTAB is on the minus strand). VCF-style: chr12-101761265-A-C. GRCh37 (hg19) VCF-style: chr12-102155043-A-C.
Other names: short protein forms Y999*.
Identifiers: ClinVar variation 5011471 (VCV005011471.1).
Genomic context (GRCh38, chr12:101,761,265, plus strand): 5'-TGTATCAACTTCATCAAAGACTTGAGATATATTCAGTGGCTGCACTGCACTCATGAGATA[A>C]TAAAAATAAGAGAAGGCAAACTGCATATCCTCAGAATGGCGCACTTTGTGAAATGACGTC-3'

ClinVar aggregate classification (germline): Pathogenic (1 of 4 stars; one submission).

Conditions:
GNPTAB-mucolipidosis. Also called: UDP-N-acetylglucosamine-1-phosphotransferase subunit alpha/beta deficiency. Identifiers: MedGen CN322573, MONDO:0100122.

Submission:

Myriad Genetics, Inc.
Classification: Pathogenic for GNPTAB-mucolipidosis. Last evaluated: 2023-08-25. Review status: criteria provided, single submitter. Criteria: Myriad Autosomal Dominant, Autosomal Recessive and X-Linked Classification Criteria (2023). Collection method: clinical testing. Allele origin: unknown.
Comment: NM_024312.4(GNPTAB):c.2997T>G(Y999*) is expected to be pathogenic in the context of GNPTAB-related disorders. This variant is predicted to lead to an abnormal or absent protein product due to the creation of a premature termination codon in GNPTAB, a gene where loss-of-function variants are known to be pathogenic. Please note: this variant was assessed in the context of healthy population screening.